The following is an entry in ClinVar:

ClinVar aggregate classification (germline): Uncertain significance (1 of 4 stars; one submission).

Submission:

Ambry Genetics
Classification: Uncertain significance. Last evaluated: 2025-01-17. Review status: criteria provided, single submitter. Criteria: Ambry Variant Classification Scheme 2023. Collection method: clinical testing. Allele origin: germline.
Comment: The p.A129T variant (also known as c.385G>A), located in coding exon 1 of the EGLN1 gene, results from a G to A substitution at nucleotide position 385. The alanine at codon 129 is replaced by threonine, an amino acid with similar properties. This amino acid position is conserved. In addition, this alteration is predicted to be tolerated by in silico analysis. Since supporting evidence is limited at this time, the clinical significance of this alteration remains unclear.

NM_022051.3(EGLN1):c.385G>A (p.Ala129Thr)

Gene: EGLN1 (egl-9 family hypoxia inducible factor 1; minus strand). Cytogenetic location: 1q42.2.
Variant type: single nucleotide variant.
Coding change: c.385G>A on transcript NM_022051.3 (MANE Select); coding-DNA position 385, G replaced by A.
Protein change: p.Ala129Thr; replaces alanine 129 with threonine.
Molecular consequence: missense variant.
Genome position (GRCh38, 1-based): chr1:231,421,504, C>T on the plus strand (G>A on the coding strand, the complement: EGLN1 is on the minus strand). VCF-style: chr1-231421504-C-T. GRCh37 (hg19) VCF-style: chr1-231557250-C-T.
Other names: c.385G>A, p.Ala129Thr (NM_001377260.1, NM_001377261.1); short protein forms A129T.
Identifiers: ClinVar variation 1735594 (VCV001735594.3), dbSNP rs1191056306, ClinGen allele CA345237329.